The following is an entry in ClinVar:

NM_022124.6(CDH23):c.2866G>A (p.Glu956Lys)

Gene: CDH23 (cadherin related 23; plus strand). Cytogenetic location: 10q22.1.
Variant type: single nucleotide variant.
Coding change: c.2866G>A on transcript NM_022124.6 (MANE Select); coding-DNA position 2866, G replaced by A.
Protein change: p.Glu956Lys; replaces glutamic acid 956 with lysine.
Molecular consequence: missense variant.
Genome position (GRCh38, 1-based): chr10:71,705,043, G>A. VCF-style: chr10-71705043-G-A. GRCh37 (hg19) VCF-style: chr10-73464800-G-A.
Other names: c.2866G>A, p.Glu956Lys (NM_001171930.2, NM_001171931.2); short protein forms E956K.
Identifiers: ClinVar variation 444219 (VCV000444219.60), dbSNP rs756147087, ClinGen allele CA5544361.
Genomic context (GRCh38, chr10:71,705,043, plus strand): 5'-ATGGACTTCCTCATCAACAGCAGCAGCGGCGTGGTGGTCACCACCACCGAGCTGGACCGC[G>A]AGCGCATCGCGGAGTACCAGCTGCGGGTGGTGGCCAGTGATGCAGGCACGCCCACCAAGA-3'
Protein context (NP_071407.4, residues 946-966): VVVTTTELDR[Glu956Lys]RIAEYQLRVV

ClinVar aggregate classification (germline): Pathogenic. Review status: reviewed by expert panel (3 of 4 stars). 11 submissions from 11 submitters: Pathogenic (1). 10 of the submissions do not count toward it. Last evaluated 2023-06-27.

Conditions:
Usher syndrome type 1 (USH1). Also called: RETINITIS PIGMENTOSA AND CONGENITAL DEAFNESS. Identifiers: Orphanet 231169, Orphanet 886, MedGen C1568247, MONDO:0010168, OMIM 276900.
Hearing loss, autosomal recessive. Also called: Autosomal recessive nonsyndromic deafness; Nonsyndromic Hearing Loss, Recessive; Rare autosomal recessive non-syndromic sensorineural deafness type DFNB; Deafness, autosomal recessive. Identifiers: Orphanet 90635, Orphanet 90636, MedGen C1846647, MONDO:0019588, OMIM 607197.
CDH23-related disorder. Also called: CDH23-related condition; CDH23-related disorders.
Pituitary adenoma 5, multiple types. Identifiers: MedGen C4539685, MONDO:0054601, OMIM 617540.
Sensorineural hearing loss disorder. Also called: Sensorineural Deafness; Sensorineural hearing loss; Sensorineural hearing impairment. Identifiers: MedGen C0018784, MeSH D006319, MONDO:0020678, HP:0000407.
Usher syndrome type 1D (USH1D). Also called: USHER SYNDROME, TYPE ID. Identifiers: Orphanet 231169, Orphanet 886, MedGen C1832845, MONDO:0010984, OMIM 601067.
Autosomal recessive nonsyndromic hearing loss 12. Also called: DEAFNESS, AUTOSOMAL RECESSIVE 12. Identifiers: Orphanet 90636, MedGen C1832394, MONDO:0011067, OMIM 601386.

Allele frequency attached by ClinVar (database versions not stated): ExAC 0.00003; gnomAD exomes 0.00003; gnomAD 0.00008 and 0.00009; TOPMed 0.00009.
gnomAD v4.1: 25 of 1,612,558 alleles (0.0016%); highest among the groups gnomAD compares: African/African-American, 0.02%; no homozygotes.

Submissions (11):

ClinGen Hearing Loss Variant Curation Expert Panel
Classification: Pathogenic for Sensorineural hearing loss disorder. Last evaluated: 2023-06-27. Review status: reviewed by expert panel. Criteria: Clingen Hl Acmg Specifications Cdh23 Coch Gjb2 Kcnq4 Myo6 Myo7a Slc26a4 Tecta Ush2a V2. Collection method: curation. Allele origin: germline. Inheritance: Autosomal recessive inheritance.
Comment: The p.Glu956Lys variant in CDH23 is a missense variant predicted to cause substitution of glutamic acid to lysine at amino acid 956. The highest population minor allele frequency in gnomAD v3.1.2 is 0.02895% (12/41444) in African/African American population which is greater than the PM2_Supporting thresholds defined by the ClinGen Hearing Loss Expert Panel (less than or equal to 0.007%) and less than the BS1_supporting MAF of greater than or equal to 0.0007 (0.07%) for autosomal recessive disorders (no codes met). The computational predictor REVEL produced a score of 0.616, which was just below the threshold to automatically apply PP3, but the Expert Panel decided to apply PP3 based upon manual review of alignments to examine homology. This variant has been detected in at least six probands with hearing loss without evidence of retinal disease (5 PM3_Very Strong points, PMID: 26763877,25963016, 22899989, Invitae Internal Data (SCV001228538.3)). Of those individuals, four harbored the p.Pro240Leu pathogenic variant in CDH23 with three individuals confirmed in trans (PMID 25963016, 22899989). The fifth individual harbored the p.Asp645Gly variant in CDH23, but phasing was not performed (PMID 25963016). 1 different missense variant, c.2867A>G (p.Glu956Gly) ClinVar Variation ID:1180655, in the same codon has been classified as likely pathogenic for AR sensorineural hearing loss by two submitters in ClinVar (PM5). In summary, this variant meets the criteria to be classified as pathogenic for AR hearing loss based on ACMG/AMP criteria applied, as specified by the ClinGen Hearing Loss VCEP; PP3, PM3_Very Strong, PM5. (The ClinGen Hearing Loss VCEP Specifications Version 2; 06/27/2023)

Natera, Inc.
Classification: Likely pathogenic for Usher syndrome type 1. Last evaluated: 2025-07-03. Review status: criteria provided, single submitter. Criteria: Natera Variant Classification Schema (03/2026). Collection method: clinical testing. Allele origin: germline. Not counted in ClinVar's aggregate classification.
Comment: The c.2866G>A variant in CDH23 is a missense variant predicted to cause substitution of glutamic acid to lysine at amino acid 956. This variant is rare in the general population with a frequency below the threshold expected for the associated phenotype(s). This variant has been observed in one or more individuals affected with the associated recessive disease, as either homozygous or compound heterozygous with a second variant (PMID: 35020051). This variant has been identified in one or more affected individuals with a phenotype highly consistent with the associated gene (PMID: 35020051). Computational prediction algorithms indicate this variant is likely to affect gene or protein function. Given the available evidence, this variant is classified as Likely Pathogenic.

Labcorp Genetics (formerly Invitae), Labcorp
Classification: Pathogenic. Last evaluated: 2025-03-05. Review status: criteria provided, single submitter. Criteria: Invitae Variant Classification Sherloc (09022015). Collection method: clinical testing. Allele origin: germline. Not counted in ClinVar's aggregate classification.
Comment: This sequence change replaces glutamic acid, which is acidic and polar, with lysine, which is basic and polar, at codon 956 of the CDH23 protein (p.Glu956Lys). This variant is present in population databases (rs756147087, gnomAD 0.03%). This missense change has been observed in individual(s) with deafness (PMID: 22899989, 25963016; internal data). In at least one individual the data is consistent with being in trans (on the opposite chromosome) from a pathogenic variant. ClinVar contains an entry for this variant (Variation ID: 444219). Invitae Evidence Modeling of protein sequence and biophysical properties (such as structural, functional, and spatial information, amino acid conservation, physicochemical variation, residue mobility, and thermodynamic stability) has been performed for this missense variant. However, the output from this modeling did not meet the statistical confidence thresholds required to predict the impact of this variant on CDH23 protein function. For these reasons, this variant has been classified as Pathogenic.

Fulgent Genetics
Classification: Likely pathogenic for Usher syndrome type 1D; Autosomal recessive nonsyndromic hearing loss 12; Pituitary adenoma 5, multiple types. Last evaluated: 2024-05-31. Review status: criteria provided, single submitter. Criteria: ACMG Guidelines, 2015. Collection method: clinical testing. Allele origin: germline. Not counted in ClinVar's aggregate classification.

GeneDx
Classification: Likely pathogenic. Last evaluated: 2024-03-15. Review status: criteria provided, single submitter. Criteria: GeneDx Variant Classification Process June 2021. Collection method: clinical testing. Allele origin: germline. Affected: yes. Not counted in ClinVar's aggregate classification.
Comment: In silico analysis supports that this missense variant has a deleterious effect on protein structure/function; This variant is associated with the following publications: (PMID: 28714951, 26763877, 31785789, 26346818, 35020051, 22899989, 25963016, 30303587)

Baylor Genetics
Classification: Pathogenic for Pituitary adenoma 5, multiple types. Last evaluated: 2024-03-02. Review status: criteria provided, single submitter. Criteria: ACMG Guidelines, 2015. Collection method: clinical testing. Allele origin: unknown. Not counted in ClinVar's aggregate classification.

Blueprint Genetics
Classification: Pathogenic for CDH23-related disorders. Last evaluated: 2022-05-09. Review status: criteria provided, single submitter. Criteria: ACMG Guidelines, 2015. Collection method: clinical testing. Allele origin: germline. Affected: yes. Observed: 2 variant alleles. Not counted in ClinVar's aggregate classification.

Division of Hearing and Balance Research, National Hospital Organization Tokyo Medical Center
Classification: Pathogenic for Autosomal recessive nonsyndromic hearing loss 12. Last evaluated: 2017-07-01. Review status: criteria provided, single submitter. Criteria: Submitter's publication. Collection method: clinical testing. Allele origin: germline. Affected: yes. Observed: 4 variant alleles. Clinical features observed: Hearing impairment (HP:0000365). Not counted in ClinVar's aggregate classification.

CeGaT Center for Human Genetics Tuebingen
Classification: Uncertain significance. Last evaluated: 2017-05-01. Review status: criteria provided, single submitter. Criteria: CeGaT Center For Human Genetics Tuebingen Variant Classification Criteria Version 2. Collection method: clinical testing. Allele origin: germline. Affected: yes. Observed: 1 variant allele. Not counted in ClinVar's aggregate classification.

Juno Genomics, Hangzhou Juno Genomics, Inc
Classification: Likely pathogenic for Usher syndrome type 1D; Autosomal recessive nonsyndromic hearing loss 12; Pituitary adenoma 5, multiple types. Review status: criteria provided, single submitter. Criteria: ACMG Guidelines, 2015. Collection method: clinical testing. Allele origin: germline. Affected: yes. Not counted in ClinVar's aggregate classification.
Comment: Absent from controls (or at extremely low frequency if recessive) in Genome Aggregation Database, Exome Sequencing Project, 1000 Genomes Project, or Exome Aggregation Consortium.;For recessive disorders, detected in trans with a pathogenic variant.

University of Washington Center for Mendelian Genomics, University of Washington
Classification: Likely pathogenic for non-syndromic autosomal recessive hearing loss. Review status: no assertion criteria provided. Collection method: research. Allele origin: inherited. Affected: yes. Not counted in ClinVar's aggregate classification.

Literature cited by the submitters: PubMed 35020051 (cited by Natera, Inc.); PubMed 22899989 (cited by Labcorp Genetics (formerly Invitae), Labcorp); PubMed 25963016 (cited by Labcorp Genetics (formerly Invitae), Labcorp); PubMed 30303587 (cited by University of Washington Center for Mendelian Genomics, University of Washington).